The following is an entry in ClinVar:

NM_002474.3(MYH11):c.4202T>C (p.Ile1401Thr)

Genes: MYH11 (myosin heavy chain 11; minus strand), NDE1 (nudE neurodevelopment protein 1; plus strand). Cytogenetic location: 16p13.11.
Variant type: single nucleotide variant.
Coding change: c.4202T>C on transcript NM_002474.3 (MANE Select); coding-DNA position 4202, T replaced by C.
Protein change: p.Ile1401Thr; replaces isoleucine 1401 with threonine.
Molecular consequence: missense variant. On other transcripts: 3 prime UTR variant (2).
Genome position (GRCh38, 1-based): chr16:15,724,324, A>G on the plus strand (T>C on the coding strand, the complement: MYH11 is on the minus strand). VCF-style: chr16-15724324-A-G. GRCh37 (hg19) VCF-style: chr16-15818181-A-G.
Other names: c.4223T>C, p.Ile1408Thr (NM_001040113.2, NM_001040114.2); c.4202T>C, p.Ile1401Thr (NM_022844.3); c.*73A>G (NM_001143979.2, NM_017668.3); short protein forms I1401T, I1408T.
Identifiers: ClinVar variation 1331906 (VCV001331906.24), dbSNP rs765373729, ClinGen allele CA7921739.
Genomic context (GRCh38, chr16:15,724,324, plus strand): 5'-GTCTTTTCCAGTTTATCATAAGCGGCCGCCTTCTCCTCGTACTGCTGGGTGAGGTTCTCG[A>G]TCTCCTTCTGGAACCTCTTCTTCCCCTCTTCCAGAGCTTCCACGGTGCTGGCAAAGTCCT-3'
Protein context (NP_002465.1, residues 1391-1411): EEGKKRFQKE[Ile1401Thr]ENLTQQYEEK

ClinVar aggregate classification (germline): Conflicting classifications of pathogenicity. Review status: criteria provided, conflicting classifications (1 of 4 stars). 4 submissions from 4 submitters: Uncertain significance (3); Likely benign (1). Last evaluated 2025-12-08.

Conditions:
Familial thoracic aortic aneurysm and aortic dissection (TAAD). Also called: Thoracic aortic aneurysms and dissections. Identifiers: Orphanet 91387, MedGen C4707243, MONDO:0019625.
Aortic aneurysm, familial thoracic 4 (AAT4). Also called: AORTIC ANEURYSM/AORTIC DISSECTION AND PATENT DUCTUS ARTERIOSUS. Identifiers: MedGen C1851504, MONDO:0007568, OMIM 132900.

gnomAD v4.1: 15 of 1,614,040 alleles (0.00093%); highest among the groups gnomAD compares: Non-Finnish European, 0.0013%; no homozygotes.

Submissions (4):

Color Diagnostics, LLC DBA Color Health
Classification: Uncertain significance for Familial thoracic aortic aneurysm and aortic dissection. Last evaluated: 2025-12-08. Review status: criteria provided, single submitter. Criteria: ACMG Guidelines, 2015. Collection method: clinical testing. Allele origin: germline.
Comment: This missense variant replaces isoleucine with threonine at codon 1408 of the MYH11 protein. Computational prediction suggests that this variant may not impact protein structure and function. To our knowledge, functional studies have not been reported for this variant. This variant has not been reported in individuals affected with MYH11-related disorders in the literature. This variant has been identified in 2/251464 chromosomes in the general population by the Genome Aggregation Database (gnomAD). The available evidence is insufficient to determine the role of this variant in disease conclusively. Therefore, this variant is classified as a Variant of Uncertain Significance.

CeGaT Center for Human Genetics Tuebingen
Classification: Likely benign. Last evaluated: 2025-06-01. Review status: criteria provided, single submitter. Criteria: CeGaT Center For Human Genetics Tuebingen Variant Classification Criteria Version 2. Collection method: clinical testing. Allele origin: germline. Affected: yes. Observed: 1 variant allele.
Comment: MYH11: BP4

Labcorp Genetics (formerly Invitae), Labcorp
Classification: Uncertain significance for Aortic aneurysm, familial thoracic 4. Last evaluated: 2024-04-25. Review status: criteria provided, single submitter. Criteria: Invitae Variant Classification Sherloc (09022015). Collection method: clinical testing. Allele origin: germline.
Comment: This sequence change replaces isoleucine, which is neutral and non-polar, with threonine, which is neutral and polar, at codon 1408 of the MYH11 protein (p.Ile1408Thr). This variant is present in population databases (rs765373729, gnomAD 0.002%). This variant has not been reported in the literature in individuals affected with MYH11-related conditions. ClinVar contains an entry for this variant (Variation ID: 1331906). Advanced modeling of protein sequence and biophysical properties (such as structural, functional, and spatial information, amino acid conservation, physicochemical variation, residue mobility, and thermodynamic stability) performed at Invitae indicates that this missense variant is not expected to disrupt MYH11 protein function with a negative predictive value of 95%. In summary, the available evidence is currently insufficient to determine the role of this variant in disease. Therefore, it has been classified as a Variant of Uncertain Significance.

All of Us Research Program, National Institutes of Health
Classification: Uncertain significance for Familial thoracic aortic aneurysm and aortic dissection. Last evaluated: 2023-05-04. Review status: criteria provided, single submitter. Criteria: ACMG Guidelines, 2015. Collection method: clinical testing. Allele origin: germline. Inheritance: Autosomal dominant inheritance. Observed: 2 variant alleles, 2 heterozygotes.
Comment: This missense variant replaces isoleucine with threonine at codon 1408 of the MYH11 protein. Computational prediction suggests that this variant may not impact protein structure and function (internally defined REVEL score threshold <= 0.5, PMID: 27666373). To our knowledge, functional studies have not been reported for this variant. This variant has not been reported in individuals affected with cardiovascular disorders in the literature. This variant has been identified in 2/251464 chromosomes in the general population by the Genome Aggregation Database (gnomAD). The available evidence is insufficient to determine the role of this variant in disease conclusively. Therefore, this variant is classified as a Variant of Uncertain Significance.

This study involves interpretation of variants in research participants for the purpose of population health screening. Participant phenotype was not available at the time of variant classification. Additional details can be found in publication PMID: 35346344, PMCID: PMC8962531